The following is an entry in ClinVar:

NM_016203.4(PRKAG2):c.1199C>A (p.Thr400Asn)

Gene: PRKAG2 (protein kinase AMP-activated non-catalytic subunit gamma 2; minus strand). Cytogenetic location: 7q36.1.
Variant type: single nucleotide variant.
Coding change: c.1199C>A on transcript NM_016203.4 (MANE Select); coding-DNA position 1199, C replaced by A.
Protein change: p.Thr400Asn; replaces threonine 400 with asparagine.
Molecular consequence: missense variant.
Genome position (GRCh38, 1-based): chr7:151,568,750, G>T on the plus strand (C>A on the coding strand, the complement: PRKAG2 is on the minus strand). VCF-style: chr7-151568750-G-T. GRCh37 (hg19) VCF-style: chr7-151265836-G-T.
Other names: c.1067C>A, p.Thr356Asn (NM_001040633.2); c.824C>A, p.Thr275Asn (NM_001304527.2); c.476C>A, p.Thr159Asn (NM_001304531.2, NM_024429.2); c.827C>A, p.Thr276Asn (NM_001363698.2); short protein forms T400N, T275N, T276N, T159N, T356N.
Identifiers: ClinVar variation 6849 (VCV000006849.6), dbSNP rs28938173, ClinGen allele CA013659.

ClinVar aggregate classification (germline): Likely pathogenic. Review status: criteria provided, multiple submitters, no conflicts (2 of 4 stars). 3 submissions from 3 submitters: Likely pathogenic (2). 1 of the submissions does not count toward it. Last evaluated 2023-05-04.

Conditions:
PRKAG2-related disorder. Also called: PRKAG2-related disorders; PRKAG2-related condition.
Hypertrophic cardiomyopathy 6. Identifiers: MedGen C1833236, MONDO:0010946, OMIM 600858.
Hypertrophic cardiomyopathy. Also called: HYPERTROPHIC MYOCARDIOPATHY. Identifiers: Orphanet 217569, MedGen C0007194, MeSH D002312, MONDO:0005045, HP:0001639.

Submissions (3):

PreventionGenetics, part of Exact Sciences
Classification: Likely pathogenic for PRKAG2-related condition. Last evaluated: 2023-05-04. Review status: criteria provided, single submitter. Criteria: ACMG Guidelines, 2015. Collection method: clinical testing. Allele origin: germline.
Comment: The PRKAG2 c.1199C>A variant is predicted to result in the amino acid substitution p.Thr400Asn. This variant has been reported in an individual with cardiac hypertrophy (Family SS, Arad et al 2002. PubMed ID: 11827995). While in vitro functional studies expressing this variant in CCL13 cells could not show evidence of constitutive activation of AMP kinase when compared to wild-type (Scott JW et al. 2004. PubMed ID: 14722619), in vivo functional studies in transgenic mice demonstrate that the mice showed significantly increased cardiac mass/body mass ratios and led to cardiac hypertrophy by inappropriate activation of AMP kinase and glycogen deposition (Banerjee et al. 2010. PubMed ID: 20005292; Ramratnam et al. 2014. PubMed ID: 25092788; Banerjee et al 2007. PubMed ID: 17597581). This variant has not been reported in a large population database, indicating this variant is rare. This variant is interpreted as likely pathogenic.

Laboratory for Molecular Medicine, Mass General Brigham Personalized Medicine
Classification: Likely pathogenic for Hypertrophic cardiomyopathy. Last evaluated: 2018-01-03. Review status: criteria provided, single submitter. Criteria: LMM Criteria. Collection method: clinical testing. Allele origin: germline. Inheritance: Autosomal dominant inheritance. Observed: 1 variant allele.
Comment: proposed classification - variant undergoing re-assessment, contact laboratory

OMIM
Classification: Pathogenic for CARDIOMYOPATHY, FAMILIAL HYPERTROPHIC, 6. Last evaluated: 2002-02-01. Review status: no assertion criteria provided. Collection method: literature only. Allele origin: germline. Not counted in ClinVar's aggregate classification.

Literature cited by the submitters: PubMed 11827995 (cited by Laboratory for Molecular Medicine, Mass General Brigham Personalized Medicine and OMIM); PubMed 16487706 (cited by Laboratory for Molecular Medicine, Mass General Brigham Personalized Medicine); PubMed 14722619 (cited by Laboratory for Molecular Medicine, Mass General Brigham Personalized Medicine); PubMed 20005292 (cited by Laboratory for Molecular Medicine, Mass General Brigham Personalized Medicine); PubMed 17597581 (cited by Laboratory for Molecular Medicine, Mass General Brigham Personalized Medicine); PubMed 20600102 (cited by Laboratory for Molecular Medicine, Mass General Brigham Personalized Medicine); PubMed 25092788 (cited by Laboratory for Molecular Medicine, Mass General Brigham Personalized Medicine); PubMed 26729852 (cited by Laboratory for Molecular Medicine, Mass General Brigham Personalized Medicine).